The following is an entry in ClinVar:

NM_015629.4(PRPF31):c.1120C>A (p.Gln374Lys)

Gene: PRPF31 (pre-mRNA processing factor 31; plus strand). Cytogenetic location: 19q13.42.
Variant type: single nucleotide variant.
Coding change: c.1120C>A on transcript NM_015629.4 (MANE Select); coding-DNA position 1120, C replaced by A.
Protein change: p.Gln374Lys; replaces glutamine 374 with lysine.
Molecular consequence: missense variant.
Genome position (GRCh38, 1-based): chr19:54,128,351, C>A. VCF-style: chr19-54128351-C-A. GRCh37 (hg19) VCF-style: chr19-54631726-C-A.
Other names: c.1120C>A (NM_015629.3); short protein forms Q374K.
Identifiers: ClinVar variation 1937159 (VCV001937159.6), dbSNP rs869312187, ClinGen allele CA309329568.

ClinVar aggregate classification (germline): Uncertain significance. Review status: criteria provided, multiple submitters, no conflicts (2 of 4 stars). 2 submissions from 2 submitters: Uncertain significance (2). Last evaluated 2024-12-05.

Conditions:
Inborn genetic diseases. Identifiers: MedGen C0950123, MeSH D030342.

gnomAD v4.1: 1 of 1,546,102 alleles (0.000065%); no homozygotes.

Submissions (2):

Ambry Genetics
Classification: Uncertain significance for Inborn genetic diseases. Last evaluated: 2024-12-05. Review status: criteria provided, single submitter. Criteria: Ambry Variant Classification Scheme 2023. Collection method: clinical testing. Allele origin: germline.

Labcorp Genetics (formerly Invitae), Labcorp
Classification: Uncertain significance. Last evaluated: 2022-10-22. Review status: criteria provided, single submitter. Criteria: Invitae Variant Classification Sherloc (09022015). Collection method: clinical testing. Allele origin: germline.
Comment: In summary, the available evidence is currently insufficient to determine the role of this variant in disease. Therefore, it has been classified as a Variant of Uncertain Significance. Algorithms developed to predict the effect of missense changes on protein structure and function (SIFT, PolyPhen-2, Align-GVGD) all suggest that this variant is likely to be tolerated. This variant has not been reported in the literature in individuals affected with PRPF31-related conditions. This variant is not present in population databases (gnomAD no frequency). This sequence change replaces glutamine, which is neutral and polar, with lysine, which is basic and polar, at codon 374 of the PRPF31 protein (p.Gln374Lys).